The following is an entry in ClinVar:

NM_001199397.3(NEK1):c.1750-5T>C

Gene: NEK1 (NIMA related kinase 1; minus strand). Cytogenetic location: 4q33.
Variant type: single nucleotide variant.
Coding change: c.1750-5T>C on transcript NM_001199397.3 (MANE Select); 5 bases into the intron before coding-DNA position 1750, T replaced by C.
Molecular consequence: intron variant.
Genome position (GRCh38, 1-based): chr4:169,508,336, A>G on the plus strand (T>C on the coding strand, the complement: NEK1 is on the minus strand). VCF-style: chr4-169508336-A-G. GRCh37 (hg19) VCF-style: chr4-170429487-A-G.
Other names: c.1540-5T>C (NM_001374421.1); c.1615-5T>C (NM_001374420.1); c.1459-5T>C (NM_001199399.3); c.1618-5T>C (NM_001199398.3); c.1666-5T>C (NM_001374419.1, NM_012224.4); c.1534-5T>C (NM_001199400.3); c.1750-5T>C (NM_001374418.1).
Identifiers: ClinVar variation 266056 (VCV000266056.10), dbSNP rs199522035, ClinGen allele CA3137635.
Genomic context (GRCh38, chr4:169,508,336, plus strand): 5'-TGTTGGCGCTCATTGAAATTCTGTAGTCTTATTTGCCTCAGTCTTGCCAGATAAACCTAC[A>G]AGGAGGCAAAAACCCCAACATAATAATGTAAAAGCAAAGCTATTGACATTTTTACTGCTA-3'

ClinVar aggregate classification (germline): Conflicting classifications of pathogenicity. Review status: criteria provided, conflicting classifications (1 of 4 stars). 4 submissions from 4 submitters: Uncertain significance (1); Likely benign (2). 1 of the submissions does not count toward it. Last evaluated 2025-05-22.

Conditions:
NEK1-related disorder. Also called: NEK1-related condition.
Motor neuron disease. Also called: Degenerative motor system disease; Motor neuron disorder. Identifiers: Orphanet 98503, MedGen C0085084, MONDO:0020128.
Short-rib thoracic dysplasia 6 with or without polydactyly (SRTD6). Also called: SHORT RIB-POLYDACTYLY SYNDROME, TYPE IIA; Majewski Syndrome; SHORT-RIB THORACIC DYSPLASIA 6 WITH POLYDACTYLY; SHORT-RIB THORACIC DYSPLASIA 6 WITHOUT POLYDACTYLY; POLYDACTYLY WITH NEONATAL CHONDRODYSTROPHY, TYPE II. Identifiers: MedGen C0024507, MONDO:0009894, OMIM 263520.

Allele frequency attached by ClinVar (database versions not stated): gnomAD 0.00018; TOPMed 0.00021; ESP Exome Variant Server 0.00051.

Submissions (4):

Labcorp Genetics (formerly Invitae), Labcorp
Classification: Likely benign for Short-rib thoracic dysplasia 6 with or without polydactyly. Last evaluated: 2025-05-22. Review status: criteria provided, single submitter. Criteria: Invitae Variant Classification Sherloc (09022015). Collection method: clinical testing. Allele origin: germline.

Blueprint Genetics
Classification: Likely benign. Last evaluated: 2024-05-29. Review status: criteria provided, single submitter. Criteria: ACMG Guidelines, 2015. Collection method: clinical testing. Allele origin: germline.

Centre for Genomic and Experimental Medicine, University of Edinburgh
Classification: Uncertain significance for Motor neuron disease. Last evaluated: 2016-08-31. Review status: criteria provided, single submitter. Criteria: Submitter's publication. Collection method: case-control. Allele origin: unknown. Affected: yes. Observed: 1 heterozygote.

PreventionGenetics, part of Exact Sciences
Classification: Likely benign for NEK1-related condition. Last evaluated: 2023-05-19. Review status: no assertion criteria provided. Collection method: clinical testing. Allele origin: germline. Not counted in ClinVar's aggregate classification.
Comment: This variant is classified as likely benign based on ACMG/AMP sequence variant interpretation guidelines (Richards et al. 2015 PMID: 25741868, with internal and published modifications).

Literature cited by the submitters: PubMed 28089114 (cited by Centre for Genomic and Experimental Medicine, University of Edinburgh).